The following is an entry in ClinVar:

NM_205861.3(DHDDS):c.979C>G (p.Arg327Gly)

Gene: DHDDS (dehydrodolichyl diphosphate synthase subunit; plus strand). Cytogenetic location: 1p36.11.
Variant type: single nucleotide variant.
Coding change: c.979C>G on transcript NM_205861.3 (MANE Select); coding-DNA position 979, C replaced by G.
Protein change: p.Arg327Gly; replaces arginine 327 with glycine.
Molecular consequence: missense variant.
Genome position (GRCh38, 1-based): chr1:26,469,108, C>G. VCF-style: chr1-26469108-C-G. GRCh37 (hg19) VCF-style: chr1-26795599-C-G.
Other names: c.877C>G, p.Arg293Gly (NM_001243564.2); c.862C>G, p.Arg288Gly (NM_001243565.2); c.700C>G, p.Arg234Gly (NM_001319959.2); c.982C>G, p.Arg328Gly (NM_024887.4); short protein forms R327G, R288G, R234G, R293G, R328G.
Identifiers: ClinVar variation 2148310 (VCV002148310.2), dbSNP rs758618507, ClinGen allele CA705506.

ClinVar aggregate classification (germline): Uncertain significance. Review status: criteria provided, multiple submitters, no conflicts (2 of 4 stars). 2 submissions from 2 submitters: Uncertain significance (2). Last evaluated 2022-08-20.

Conditions:
Retinitis pigmentosa 59 (RP59). Identifiers: Orphanet 791, MedGen C3151227, MONDO:0013468, OMIM 613861.

gnomAD v4.1: 20 of 1,612,288 alleles (0.0012%); highest among the groups gnomAD compares: Non-Finnish European, 0.0017%; no homozygotes.

Submissions (2):

Labcorp Genetics (formerly Invitae), Labcorp
Classification: Uncertain significance for Retinitis pigmentosa 59. Last evaluated: 2022-08-20. Review status: criteria provided, single submitter. Criteria: Invitae Variant Classification Sherloc (09022015). Collection method: clinical testing. Allele origin: germline.
Comment: This sequence change replaces arginine, which is basic and polar, with glycine, which is neutral and non-polar, at codon 328 of the DHDDS protein (p.Arg328Gly). This variant is present in population databases (rs758618507, gnomAD 0.002%). This variant has not been reported in the literature in individuals affected with DHDDS-related conditions. Algorithms developed to predict the effect of missense changes on protein structure and function (SIFT, PolyPhen-2, Align-GVGD) all suggest that this variant is likely to be tolerated. In summary, the available evidence is currently insufficient to determine the role of this variant in disease. Therefore, it has been classified as a Variant of Uncertain Significance.

Blueprint Genetics
Classification: Uncertain significance. Last evaluated: 2021-07-23. Review status: criteria provided, single submitter. Criteria: ACMG Guidelines, 2015. Collection method: clinical testing. Allele origin: germline.